The following is an entry in ClinVar:

ClinVar aggregate classification (germline): Pathogenic. Review status: criteria provided, multiple submitters, no conflicts (2 of 4 stars). 2 submissions from 2 submitters: Pathogenic (2). Last evaluated 2022-03-16.

Conditions:
Cornelia de Lange syndrome 1 (CDLS1). Also called: TYPUS DEGENERATIVUS AMSTELODAMENSIS; Brachmann de Lange syndrome; NIPBL-Related Cornelia de Lange Syndrome. Identifiers: Orphanet 199, MedGen C4551851, MONDO:0007387, OMIM 122470.

Submissions (2):

Department of Human Genetics, Hannover Medical School
Classification: Pathogenic for Cornelia de Lange syndrome 1. Last evaluated: 2022-03-16. Review status: criteria provided, single submitter. Criteria: ACMG Guidelines, 2015. Collection method: clinical testing. Allele origin: germline. Inheritance: Autosomal dominant inheritance. Affected: yes.

Labcorp Genetics (formerly Invitae), Labcorp
Classification: Pathogenic for Cornelia de Lange syndrome 1. Last evaluated: 2020-03-17. Review status: criteria provided, single submitter. Criteria: Invitae Variant Classification Sherloc (09022015). Collection method: clinical testing. Allele origin: germline.
Comment: For these reasons, this variant has been classified as Pathogenic. Loss-of-function variants in NIPBL are known to be pathogenic (PMID: 15318302, 19763162, 23505322, 29995837). This sequence change creates a premature translational stop signal (p.Pro736Glnfs*58) in the NIPBL gene. It is expected to result in an absent or disrupted protein product. This variant is not present in population databases (ExAC no frequency). This variant has not been reported in the literature in individuals with NIPBL-related conditions.

Literature cited by the submitters: PubMed 15318302 (cited by Labcorp Genetics (formerly Invitae), Labcorp); PubMed 19763162 (cited by Labcorp Genetics (formerly Invitae), Labcorp); PubMed 23505322 (cited by Labcorp Genetics (formerly Invitae), Labcorp); PubMed 29995837 (cited by Labcorp Genetics (formerly Invitae), Labcorp).

NM_133433.4(NIPBL):c.2207del (p.Pro736fs)

Gene: NIPBL (NIPBL cohesin loading factor; plus strand). Cytogenetic location: 5p13.2.
Variant type: Deletion.
Coding change: c.2207del on transcript NM_133433.4 (MANE Select); coding-DNA position 2207, one base deleted (C; older notation c.2207delC).
Protein change: p.Pro736fs; shifts the reading frame from proline 736.
Molecular consequence: frameshift variant.
Genome position (GRCh38, 1-based): chr5:36,985,387, C deleted; the last of 2 consecutive C bases (chr5:36,985,386-36,985,387); deleting either gives the same sequence. VCF-style (leftmost placement, unchanged base first): chr5-36985385-TC-T. GRCh37 (hg19) VCF-style: chr5-36985487-TC-T.
Other names: c.2207del, p.Pro736fs (NM_015384.5); short protein forms P736fs.
Identifiers: ClinVar variation 1076298 (VCV001076298.8), dbSNP rs2149644816, ClinGen allele CA2499217837.
Genomic context (GRCh38, chr5:36,985,385, plus strand): 5'-ACAAAAGAGTGATGGGCATCCTGAAACCCCAAAACAGAAGGGTGATGGAAGGCCTGAAAC[TC>T]CAAAGCAAAAAGGTGAGAGCCGCCCTGAAACTCCAAAGCAAAAAAATGAAGGGCGACCTG-3'